The following is an entry in ClinVar:

ClinVar aggregate classification (germline): Uncertain significance. Review status: criteria provided, multiple submitters, no conflicts (2 of 4 stars). 3 submissions from 3 submitters: Uncertain significance (3). Last evaluated 2025-06-18.

Conditions:
Inborn genetic diseases. Identifiers: MedGen C0950123, MeSH D030342.

Allele frequency attached by ClinVar (database versions not stated): gnomAD 0.00001 and 0.00005; TOPMed 0.00001; 1000 Genomes Project 30x 0.00016; gnomAD exomes 0.00016; ExAC 0.00018; 1000 Genomes Project 0.00020.
gnomAD v4.1: 122 of 1,614,036 alleles (0.0076%); highest among the groups gnomAD compares: South Asian, 0.13%; no homozygotes.

Submissions (3):

Ambry Genetics
Classification: Uncertain significance for Inborn genetic diseases. Last evaluated: 2025-06-18. Review status: criteria provided, single submitter. Criteria: Ambry Variant Classification Scheme 2023. Collection method: clinical testing. Allele origin: germline.

GeneDx
Classification: Uncertain significance. Last evaluated: 2025-04-11. Review status: criteria provided, single submitter. Criteria: GeneDx Variant Classification Process June 2021. Collection method: clinical testing. Allele origin: germline. Affected: yes.
Comment: Has not been previously published as pathogenic or benign to our knowledge; In silico analysis supports that this missense variant has a deleterious effect on protein structure/function

Labcorp Genetics (formerly Invitae), Labcorp
Classification: Uncertain significance. Last evaluated: 2024-08-02. Review status: criteria provided, single submitter. Criteria: Invitae Variant Classification Sherloc (09022015). Collection method: clinical testing. Allele origin: germline.
Comment: This sequence change replaces lysine, which is basic and polar, with threonine, which is neutral and polar, at codon 1062 of the DHX37 protein (p.Lys1062Thr). This variant is present in population databases (rs575749736, gnomAD 0.1%). This variant has not been reported in the literature in individuals affected with DHX37-related conditions. ClinVar contains an entry for this variant (Variation ID: 1696961). An algorithm developed to predict the effect of missense changes on protein structure and function (PolyPhen-2) suggests that this variant is likely to be disruptive. In summary, the available evidence is currently insufficient to determine the role of this variant in disease. Therefore, it has been classified as a Variant of Uncertain Significance.

NM_032656.4(DHX37):c.3185A>C (p.Lys1062Thr)

Gene: DHX37 (DEAH-box helicase 37; minus strand). Cytogenetic location: 12q24.31.
Variant type: single nucleotide variant.
Coding change: c.3185A>C on transcript NM_032656.4 (MANE Select); coding-DNA position 3185, A replaced by C.
Protein change: p.Lys1062Thr; replaces lysine 1062 with threonine.
Molecular consequence: missense variant.
Genome position (GRCh38, 1-based): chr12:124,950,180, T>G on the plus strand (A>C on the coding strand, the complement: DHX37 is on the minus strand). VCF-style: chr12-124950180-T-G. GRCh37 (hg19) VCF-style: chr12-125434726-T-G.
Other names: short protein forms K1062T.
Identifiers: ClinVar variation 1696961 (VCV001696961.9), dbSNP rs575749736, ClinGen allele CA6871324.